The following is an entry in ClinVar:

ClinVar aggregate classification (germline): Uncertain significance (1 of 4 stars; one submission).

Conditions:
Glycine encephalopathy. Also called: Nonketotic hyperglycinemia; Non-ketotic hyperglycinemia. Identifiers: Orphanet 407, MedGen C0751748, MONDO:0011612, HP:0008288.

Allele frequency attached by ClinVar (database versions not stated): gnomAD exomes below 0.00001 and 0.00001; TOPMed below 0.00001; gnomAD 0.00002.
gnomAD v4.1: 7 of 1,613,476 alleles (0.00043%); highest among the groups gnomAD compares: Admixed American, 0.0067%; no homozygotes.

Submission:

Labcorp Genetics (formerly Invitae), Labcorp
Classification: Uncertain significance for Glycine encephalopathy. Last evaluated: 2026-01-12. Review status: criteria provided, single submitter. Criteria: Invitae Variant Classification Sherloc (09022015). Collection method: clinical testing. Allele origin: germline.
Comment: This sequence change replaces arginine, which is basic and polar, with histidine, which is basic and polar, at codon 100 of the GLDC protein (p.Arg100His). The frequency data for this variant in the population databases is considered unreliable, as metrics indicate poor data quality at this position in the gnomAD database. This variant has not been reported in the literature in individuals affected with GLDC-related conditions. ClinVar contains an entry for this variant (Variation ID: 954257). Invitae Evidence Modeling of protein sequence and biophysical properties (such as structural, functional, and spatial information, amino acid conservation, physicochemical variation, residue mobility, and thermodynamic stability) indicates that this missense variant is expected to disrupt GLDC protein function with a positive predictive value of 95%. In summary, the available evidence is currently insufficient to determine the role of this variant in disease. Therefore, it has been classified as a Variant of Uncertain Significance.

NM_000170.3(GLDC):c.299G>A (p.Arg100His)

Gene: GLDC (glycine decarboxylase; minus strand). Cytogenetic location: 9p24.1.
Variant type: single nucleotide variant.
Coding change: c.299G>A on transcript NM_000170.3 (MANE Select); coding-DNA position 299, G replaced by A.
Protein change: p.Arg100His; replaces arginine 100 with histidine.
Molecular consequence: missense variant.
Genome position (GRCh38, 1-based): chr9:6,644,649, C>T on the plus strand (G>A on the coding strand, the complement: GLDC is on the minus strand). VCF-style: chr9-6644649-C-T. GRCh37 (hg19) VCF-style: chr9-6644649-C-T.
Other names: short protein forms R100H.
Identifiers: ClinVar variation 954257 (VCV000954257.8), dbSNP rs1470245998, ClinGen allele CA372885707.